The following is an entry in ClinVar:

ClinVar aggregate classification (germline): Benign/Likely benign. Review status: criteria provided, multiple submitters, no conflicts (2 of 4 stars). 3 submissions from 3 submitters: Benign (2); Likely benign (1). Last evaluated 2023-02-01.

Allele frequency attached by ClinVar (database versions not stated): 1000 Genomes Project 30x 0.00094; 1000 Genomes Project 0.00100; TOPMed 0.00279; ESP Exome Variant Server 0.00314; gnomAD 0.00396 and 0.00420; ExAC 0.00416.
gnomAD v4.1: 7,231 of 1,614,148 alleles (0.45%); highest among the groups gnomAD compares: Non-Finnish European, 0.5%; 30 homozygotes.

Submissions (3):

CeGaT Center for Human Genetics Tuebingen
Classification: Likely benign. Last evaluated: 2023-02-01. Review status: criteria provided, single submitter. Criteria: CeGaT Center For Human Genetics Tuebingen Variant Classification Criteria Version 2. Collection method: clinical testing. Allele origin: germline. Affected: yes. Observed: 1 variant allele.
Comment: MAP1A: BP4, BS2

Labcorp Genetics (formerly Invitae), Labcorp
Classification: Benign. Last evaluated: 2018-03-02. Review status: criteria provided, single submitter. Criteria: Invitae Variant Classification Sherloc (09022015). Collection method: clinical testing. Allele origin: germline.

Breakthrough Genomics
Classification: Benign. Review status: criteria provided, single submitter. Criteria: ACMG Guidelines, 2015. Collection method: not provided. Allele origin: germline. Inheritance: Unknown mechanism. Affected: yes.

NM_002373.6(MAP1A):c.3933C>T (p.Ser1311=)

Gene: MAP1A (microtubule associated protein 1A; plus strand). Cytogenetic location: 15q15.3.
Variant type: single nucleotide variant.
Coding change: c.3933C>T on transcript NM_002373.6 (MANE Select); coding-DNA position 3933, C replaced by T.
Protein change: p.Ser1311=; no amino-acid change (serine 1311 retained).
Molecular consequence: synonymous variant.
Genome position (GRCh38, 1-based): chr15:43,525,406, C>T. VCF-style: chr15-43525406-C-T. GRCh37 (hg19) VCF-style: chr15-43817604-C-T.
Identifiers: ClinVar variation 783054 (VCV000783054.28), dbSNP rs182020053, ClinGen allele CA7526473.
Genomic context (GRCh38, chr15:43,525,406, plus strand): 5'-CTCATTCTCTCACTCTACACCTTCAGGAAATGGGAAGTACTTACCTGGGGCGATCACAAG[C>T]CCTGATGAACACATTCTGACACCTGATAGCTCCTTCTCCAAGAGTCCTGAGTCTTTGCCA-3'
Protein context (NP_002364.5, residues 1301-1321): NGKYLPGAIT[Ser1311=]PDEHILTPDS